The following is an entry in ClinVar:

NC_000005.9:g.(?_151271852)_(151304130_?)dup

Genes: GLRA1 (glycine receptor alpha 1; minus strand), LOC123575602 (Sharpr-MPRA regulatory region 1877; plus strand). Cytogenetic location: 5q33.1.
Variant type: Duplication.
Identifiers: ClinVar variation 642040 (VCV000642040.3).

ClinVar aggregate classification (germline): Uncertain significance. Review status: criteria provided, single submitter (1 of 4 stars). 2 submissions from 1 submitter: Uncertain significance (2). Last evaluated 2020-08-26.

Conditions:
Hereditary hyperekplexia. Identifiers: MONDO:0021022, Orphanet 3197, MedGen C4084968.
Hyperekplexia 1 (STHE). Also called: KOK DISEASE; STARTLE DISEASE, FAMILIAL; STIFF-BABY SYNDROME; STIFF-MAN SYNDROME, CONGENITAL; STIFF-PERSON SYNDROME, CONGENITAL; EXAGGERATED STARTLE REACTION. Identifiers: Orphanet 3197, MedGen C4551954, MONDO:0007868, OMIM 149400.

Submissions (2):

Labcorp Genetics (formerly Invitae), Labcorp
Classification: Uncertain significance for Hereditary hyperekplexia. Last evaluated: 2020-08-26. Review status: criteria provided, single submitter. Criteria: Invitae Variant Classification Sherloc (09022015). Collection method: clinical testing. Allele origin: germline.
Comment: This variant results in a copy number gain of the genomic region encompassing exons 1-2 of the GLRA1 gene. The 5' end of this event is unknown as it extends beyond the assayed region for this gene and therefore may encompass additional genes. The 3' boundary is likely confined to intron 2 of the GLRA1 gene. As the precise location of this event is unknown, it may be in tandem or it may be located elsewhere in the genome. This variant has not been reported in the literature in individuals with GLRA1-related disease. Experimental studies and prediction algorithms are not available for this variant, and the functional significance of the affected amino acid(s) is currently unknown. In summary, the available evidence is currently insufficient to determine the role of this variant in disease. Therefore, it has been classified as a Variant of Uncertain Significance.

Labcorp Genetics (formerly Invitae), Labcorp
Classification: Uncertain significance for Hereditary hyperekplexia. Last evaluated: 2019-09-27. Review status: criteria provided, single submitter. Criteria: Invitae Variant Classification Sherloc (09022015). Collection method: clinical testing. Allele origin: germline.
Comment: the same text as in the submission from Labcorp Genetics (formerly Invitae), Labcorp above.